The following is an entry in ClinVar:

ClinVar aggregate classification (germline): Likely pathogenic (1 of 4 stars; one submission).

Conditions:
Multiple sulfatase deficiency (MSD). Also called: Mucosulfatidosis; Multiple Sulfatase Deficiency Disease; Sulfatidosis, Juvenile, Austin Type. Identifiers: Orphanet 585, MedGen C0268263, MONDO:0010088, OMIM 272200.

Submission:

Dubai Health Genomic Medicine Center, Dubai Health
Classification: Likely pathogenic for Multiple sulfatase deficiency. Last evaluated: 2024-10-04. Review status: criteria provided, single submitter. Criteria: ACMG Guidelines, 2015. Collection method: research. Allele origin: germline. Affected: yes.
Comment: PM3(strong),PM2,PP3

NM_182760.4(SUMF1):c.689A>G (p.Glu230Gly)

Gene: SUMF1 (sulfatase modifying factor 1; minus strand). Cytogenetic location: 3p26.1.
Variant type: single nucleotide variant.
Coding change: c.689A>G on transcript NM_182760.4 (MANE Select); coding-DNA position 689, A replaced by G.
Protein change: p.Glu230Gly; replaces glutamic acid 230 with glycine.
Molecular consequence: missense variant.
Genome position (GRCh38, 1-based): chr3:4,418,046, T>C on the plus strand (A>G on the coding strand, the complement: SUMF1 is on the minus strand). VCF-style: chr3-4418046-T-C. GRCh37 (hg19) VCF-style: chr3-4459730-T-C.
Other names: c.614A>G, p.Glu205Gly (NM_001164674.2); c.689A>G, p.Glu230Gly (NM_001164675.2); short protein forms E205G, E230G.
Identifiers: ClinVar variation 3384081 (VCV003384081.1).